The following is an entry in ClinVar:

NM_017999.5(RNF31):c.1406T>A (p.Leu469Gln)

Gene: RNF31 (ring finger protein 31; plus strand). Cytogenetic location: 14q12.
Variant type: single nucleotide variant.
Coding change: c.1406T>A on transcript NM_017999.5 (MANE Select); coding-DNA position 1406, T replaced by A.
Protein change: p.Leu469Gln; replaces leucine 469 with glutamine.
Molecular consequence: missense variant.
Genome position (GRCh38, 1-based): chr14:24,150,806, T>A. VCF-style: chr14-24150806-T-A. GRCh37 (hg19) VCF-style: chr14-24620015-T-A.
Other names: c.953T>A, p.Leu318Gln (NM_001310332.2); short protein forms L318Q, L469Q.
Identifiers: ClinVar variation 1493401 (VCV001493401.6), dbSNP rs764606147, ClinGen allele CA7125763.

ClinVar aggregate classification (germline): Uncertain significance (1 of 4 stars; one submission).

Allele frequency attached by ClinVar (database versions not stated): ExAC 0.00002; TOPMed 0.00002; gnomAD 0.00003; gnomAD exomes 0.00003.
gnomAD v4.1: 24 of 1,600,850 alleles (0.0015%); highest among the groups gnomAD compares: Non-Finnish European, 0.0019%; no homozygotes.

Submission:

Labcorp Genetics (formerly Invitae), Labcorp
Classification: Uncertain significance. Last evaluated: 2025-05-01. Review status: criteria provided, single submitter. Criteria: Invitae Variant Classification Sherloc (09022015). Collection method: clinical testing. Allele origin: germline.
Comment: This sequence change replaces leucine, which is neutral and non-polar, with glutamine, which is neutral and polar, at codon 469 of the RNF31 protein (p.Leu469Gln). This variant is present in population databases (rs764606147, gnomAD 0.006%). This variant has not been reported in the literature in individuals affected with RNF31-related conditions. ClinVar contains an entry for this variant (Variation ID: 1493401). An algorithm developed to predict the effect of missense changes on protein structure and function (PolyPhen-2) suggests that this variant is likely to be tolerated. In summary, the available evidence is currently insufficient to determine the role of this variant in disease. Therefore, it has been classified as a Variant of Uncertain Significance.